The following is an entry in ClinVar:

NM_001128425.2(MUTYH):c.9G>T (p.Pro3=)

Genes: MUTYH (mutY DNA glycosylase; minus strand), TOE1 (target of EGR1, exonuclease; plus strand). Cytogenetic location: 1p34.1.
Variant type: single nucleotide variant.
Coding change: c.9G>T on transcript NM_001128425.2 (MANE Plus Clinical); coding-DNA position 9, G replaced by T.
Protein change: p.Pro3=; no amino-acid change (proline 3 retained).
Molecular consequence: synonymous variant. On other transcripts: 5 prime UTR variant (8), non-coding transcript variant (3).
Genome position (GRCh38, 1-based): chr1:45,340,246, C>A on the plus strand (G>T on the coding strand, the complement: MUTYH is on the minus strand). VCF-style: chr1-45340246-C-A. GRCh37 (hg19) VCF-style: chr1-45805918-C-A.
Other names: c.-7C>A (NM_025077.4); c.-34G>T (NM_001048171.2); c.9G>T, p.Pro3= (NM_001293190.2, NM_001407069.1, NM_001407073.1 and 1 more transcripts); c.-246G>T (NM_001293192.2); c.-305G>T (NM_001350650.2); c.-241G>T (NM_001350651.2); c.-50G>T (NM_001407070.1, NM_001407071.1); c.-30G>T (NM_001407072.1).
Identifiers: ClinVar variation 481801 (VCV000481801.15), dbSNP rs958040221, ClinGen allele CA417702327.

ClinVar aggregate classification (germline): Likely benign. Review status: criteria provided, multiple submitters, no conflicts (2 of 4 stars). 5 submissions from 5 submitters: Likely benign (5). Last evaluated 2024-08-16.

Conditions:
Hereditary cancer-predisposing syndrome. Also called: Neoplastic Syndromes, Hereditary; Hereditary Cancer Syndrome; Tumor predisposition; Hereditary neoplastic syndrome. Identifiers: Orphanet 140162, MedGen C0027672, MeSH D009386, MONDO:0015356.
Familial adenomatous polyposis 2. Also called: FAP type 2; COLORECTAL ADENOMATOUS POLYPOSIS, AUTOSOMAL RECESSIVE; MYH-associated polyposis; MUTYH-associated polyposis; Adenomas, multiple colorectal; ADENOMAS, MULTIPLE COLORECTAL, AUTOSOMAL RECESSIVE. Identifiers: Orphanet 220460, Orphanet 247798, MedGen C3272841, MONDO:0012041, OMIM 608456.

Submissions (5):

Labcorp Genetics (formerly Invitae), Labcorp
Classification: Likely benign for Familial adenomatous polyposis 2. Last evaluated: 2024-08-16. Review status: criteria provided, single submitter. Criteria: Invitae Variant Classification Sherloc (09022015). Collection method: clinical testing. Allele origin: germline.

All of Us Research Program, National Institutes of Health
Classification: Likely benign for Familial adenomatous polyposis 2. Last evaluated: 2024-05-24. Review status: criteria provided, single submitter. Criteria: ACMG Guidelines, 2015. Collection method: clinical testing. Allele origin: germline. Inheritance: Autosomal recessive inheritance. Observed: 2 variant alleles, 2 heterozygotes.
Comment: This study involves interpretation of variants in research participants for the purpose of population health screening. Participant phenotype was not available at the time of variant classification. Additional details can be found in publication PMID: 35346344, PMCID: PMC8962531

Women's Health and Genetics/Laboratory Corporation of America, LabCorp
Classification: Likely benign. Last evaluated: 2022-04-08. Review status: criteria provided, single submitter. Criteria: LabCorp Variant Classification Summary - May 2015. Collection method: clinical testing. Allele origin: germline.

Color Diagnostics, LLC DBA Color Health
Classification: Likely benign for Hereditary cancer-predisposing syndrome. Last evaluated: 2022-03-21. Review status: criteria provided, single submitter. Criteria: ACMG Guidelines, 2015. Collection method: clinical testing. Allele origin: germline.

Ambry Genetics
Classification: Likely benign for Hereditary cancer-predisposing syndrome. Last evaluated: 2016-03-21. Review status: criteria provided, single submitter. Criteria: Ambry Variant Classification Scheme 2023. Collection method: clinical testing. Allele origin: germline.